The following is an entry in ClinVar:

ClinVar aggregate classification (germline): Pathogenic (1 of 4 stars; one submission).

Conditions:
Zellweger spectrum disorders (ZS). Also called: Zellweger syndrome; Zellweger Spectrum Disorder (ZSD); Zellweger Spectrum Disorder; Zellweger Spectrum. Identifiers: Orphanet 912, MedGen C0043459, MONDO:0019609.

Allele frequency attached by ClinVar (database versions not stated): gnomAD 0.00001.
gnomAD v4.1: 1 of 1,613,884 alleles (0.000062%); highest among the groups gnomAD compares: African/African-American, 0.0013%; no homozygotes.

Submission:

Labcorp Genetics (formerly Invitae), Labcorp
Classification: Pathogenic for Zellweger spectrum disorders. Last evaluated: 2022-04-23. Review status: criteria provided, single submitter. Criteria: Invitae Variant Classification Sherloc (09022015). Collection method: clinical testing. Allele origin: germline.
Comment: This variant has not been reported in the literature in individuals affected with PEX1-related conditions. This sequence change creates a premature translational stop signal (p.Gly599*) in the PEX1 gene. It is expected to result in an absent or disrupted protein product. Loss-of-function variants in PEX1 are known to be pathogenic (PMID: 9398847, 16086329, 16141001, 21031596, 26387595, 31831025). This variant is not present in population databases (gnomAD no frequency). For these reasons, this variant has been classified as Pathogenic.

Literature cited by the submitters: PubMed 9398847; PubMed 16086329; PubMed 16141001; PubMed 21031596; PubMed 26387595; PubMed 31831025.

NM_000466.3(PEX1):c.1795G>T (p.Gly599Ter)

Gene: PEX1 (peroxisomal biogenesis factor 1; minus strand). Cytogenetic location: 7q21.2.
Variant type: single nucleotide variant.
Coding change: c.1795G>T on transcript NM_000466.3 (MANE Select); coding-DNA position 1795, G replaced by T.
Protein change: p.Gly599Ter; replaces glycine 599 with a stop codon.
Molecular consequence: nonsense.
Genome position (GRCh38, 1-based): chr7:92,507,002, C>A on the plus strand (G>T on the coding strand, the complement: PEX1 is on the minus strand). VCF-style: chr7-92507002-C-A. GRCh37 (hg19) VCF-style: chr7-92136316-C-A.
Other names: c.1795G>T, p.Gly599Ter (NM_001282677.2); c.1171G>T, p.Gly391Ter (NM_001282678.2); short protein forms G599*, G391*.
Identifiers: ClinVar variation 1422035 (VCV001422035.6), dbSNP rs1792222710, ClinGen allele CA368187163.